The following is an entry in ClinVar:

ClinVar aggregate classification (germline): Likely pathogenic (1 of 4 stars; one submission).

Submission:

Labcorp Genetics (formerly Invitae), Labcorp
Classification: Likely pathogenic. Last evaluated: 2025-05-08. Review status: criteria provided, single submitter. Criteria: Invitae Variant Classification Sherloc (09022015). Collection method: clinical testing. Allele origin: germline.
Comment: This sequence change creates a premature translational stop signal (p.Gln2524*) in the USP9X gene. While this is not anticipated to result in nonsense mediated decay, it is expected to disrupt the last 47 amino acid(s) of the USP9X protein. This variant is not present in population databases (gnomAD no frequency). This variant has not been reported in the literature in individuals affected with USP9X-related conditions. ClinVar contains an entry for this variant (Variation ID: 847723). This variant disrupts a region of the USP9X protein in which other variant(s) (p.Gln2525Argfs*18) have been determined to be pathogenic (PMID: 24607389). This suggests that this is a clinically significant region of the protein, and that variants that disrupt it are likely to be disease-causing. In summary, the currently available evidence indicates that the variant is pathogenic, but additional data are needed to prove that conclusively. Therefore, this variant has been classified as Likely Pathogenic.

Literature cited by the submitters: PubMed 24607389.

NM_001039591.3(USP9X):c.7522C>T (p.Gln2508Ter)

Gene: USP9X (ubiquitin specific peptidase 9 X-linked; plus strand). Cytogenetic location: Xp11.4.
Variant type: single nucleotide variant.
Coding change: c.7522C>T on transcript NM_001039591.3 (MANE Select); coding-DNA position 7522, C replaced by T.
Protein change: p.Gln2508Ter; replaces glutamine 2508 with a stop codon.
Molecular consequence: nonsense.
Genome position (GRCh38, 1-based): chrX:41,230,591, C>T. VCF-style: chrX-41230591-C-T. GRCh37 (hg19) VCF-style: chrX-41089844-C-T.
Other names: c.7570C>T, p.Gln2524Ter (NM_001039590.3); short protein forms Q2508*, Q2524*.
Identifiers: ClinVar variation 847723 (VCV000847723.8), dbSNP rs2063352199, ClinGen allele CA412754732.
Genomic context (GRCh38, chrX:41,230,591, plus strand): 5'-CATGAGTCGCCTCCACCTGAAGATGCCCCATTGTACCCCCATTCACCTGGATCTCAGTAT[C>T]AACAGGTAAACAGGAGTCAGTTTATGCTTTTATCCCCTAGAACTGGGTTTTATGCTTAAT-3'